The following is an entry in ClinVar:

ClinVar aggregate classification (germline): Pathogenic (1 of 4 stars; one submission).

Conditions:
16p13.11 microdeletion syndrome. Identifiers: Orphanet 261236, MedGen C4304596, MONDO:0016836.

Submission:

The Central Laboratory of Birth Defects Prevention and Control, The Affiliated Women and Children's Hospital of Ningbo University
Classification: Pathogenic for 16p13.11 microdeletion syndrome. Last evaluated: 2025-11-28. Review status: criteria provided, single submitter. Criteria: ACMG/ClinGen CNV Guidelines, 2019. Collection method: clinical testing. Allele origin: de novo. Affected: yes.
Comment: This copy number loss involves 14 protein-coding genes, such as MYH11 (OMIM 160745), ABCC6 (OMIM 603234), ABCC1 (OMIM 158343), NDE1 (OMIM 609449). This variant overlaps the 16p13.11 recurrent deletion syndrome critical region (chr16:15417854-16198408). The 16p13.11 recurrent deletion syndrome has a high degree of phenotypic variability, including intellectual disability, microcephaly, epilepsy, short stature, delayed motor development, hypotonia and hyperactivity disorder, and others (PMID:24105370, 24246141, 18550696, 19843651). ClinGen haploinsufficiency score is 3 for this region meaning sufficient evidence for dosage pathogenicity. In summary, this variant meets criteria to be classified as pathogenic. The ACMG/ClinGen evidence codes and points used in this curation are as follows: 1A: 0 points, 2A: 1.0 points, 3A: 0 points; Total: 1.0 points (PMID: 31690835).

Literature cited by the submitters: PubMed 24105370; PubMed 24246141; PubMed 18550696; PubMed 19843651.

GRCh38/hg38 16p13.11(chr16:14838406-16223434)x1

Genes: ABCC1 (ATP binding cassette subfamily C member 1 (ABCC1 blood group); plus strand), ABCC6 (ATP binding cassette subfamily C member 6; minus strand), BMERB1 (bMERB domain containing 1; plus strand), CEP20 (centrosomal protein 20; minus strand), MARF1 (meiosis regulator and mRNA stability factor 1; minus strand) and 40 more. Cytogenetic location: 16p13.11.
Variant type: copy number loss.
Change: copy number 1 (one copy instead of two) of chr16:14,838,406-16,223,434 (1.39 Mb, GRCh38 coordinates, 1-based), cytogenetic band 16p13.11.
Identifiers: ClinVar variation 4686717 (VCV004686717.1).